The following is an entry in ClinVar:

NM_001111125.3(IQSEC2):c.803C>G (p.Pro268Arg)

Gene: IQSEC2 (IQ motif and Sec7 domain ArfGEF 2; minus strand). Cytogenetic location: Xp11.22.
Variant type: single nucleotide variant.
Coding change: c.803C>G on transcript NM_001111125.3 (MANE Select); coding-DNA position 803, C replaced by G.
Protein change: p.Pro268Arg; replaces proline 268 with arginine.
Molecular consequence: missense variant.
Genome position (GRCh38, 1-based): chrX:53,255,996, G>C on the plus strand (C>G on the coding strand, the complement: IQSEC2 is on the minus strand). VCF-style: chrX-53255996-G-C. GRCh37 (hg19) VCF-style: chrX-53285178-G-C.
Other names: c.188C>G, p.Pro63Arg (NM_015075.2); short protein forms P268R, P63R.
Identifiers: ClinVar variation 1442992 (VCV001442992.8), dbSNP rs368559547, ClinGen allele CA413172102.

ClinVar aggregate classification (germline): Conflicting classifications of pathogenicity. Review status: criteria provided, conflicting classifications (1 of 4 stars). 2 submissions from 2 submitters: Uncertain significance (1); Benign (1). Last evaluated 2025-09-15.

Conditions:
Inborn genetic diseases. Identifiers: MedGen C0950123, MeSH D030342.
Intellectual developmental disorder, X-linked 1. Also called: Intellectual disability, X-linked 1; Atkin Flaitz Patil Smith syndrome; MENTAL RETARDATION, X-LINKED 18; MENTAL RETARDATION, X-LINKED 78. Identifiers: Orphanet 777, MedGen C2931498, MONDO:0010656, OMIM 309530.

Allele frequency attached by ClinVar (database versions not stated): gnomAD exomes 0.00001.

Submissions (2):

Labcorp Genetics (formerly Invitae), Labcorp
Classification: Benign for Intellectual developmental disorder, X-linked 1. Last evaluated: 2025-09-15. Review status: criteria provided, single submitter. Criteria: Invitae Variant Classification Sherloc (09022015). Collection method: clinical testing. Allele origin: germline.

Ambry Genetics
Classification: Uncertain significance for Inborn genetic diseases. Last evaluated: 2018-01-16. Review status: criteria provided, single submitter. Criteria: Ambry Variant Classification Scheme 2023. Collection method: clinical testing. Allele origin: germline.
Comment: The p.P268R variant (also known as c.803C>G), located in coding exon 3 of the IQSEC2 gene, results from a C to G substitution at nucleotide position 803. The proline at codon 268 is replaced by arginine, an amino acid with dissimilar properties. This amino acid position is not well conserved in available vertebrate species. In addition, the in silico prediction for this alteration is inconclusive. Since supporting evidence is limited at this time, the clinical significance of this alteration remains unclear.